The following is an entry in ClinVar:

NM_000169.3(GLA):c.677G>A (p.Trp226Ter)

Genes: GLA (galactosidase alpha; minus strand), RPL36A-HNRNPH2 (RPL36A-HNRNPH2 readthrough; plus strand). Cytogenetic location: Xq22.1.
Variant type: single nucleotide variant.
Coding change: c.677G>A on transcript NM_000169.3 (MANE Select); coding-DNA position 677, G replaced by A.
Protein change: p.Trp226Ter; replaces tryptophan 226 with a stop codon.
Molecular consequence: nonsense. On other transcripts: non-coding transcript variant (3), intron variant (2).
Genome position (GRCh38, 1-based): chrX:101,398,909, C>T on the plus strand (G>A on the coding strand, the complement: GLA is on the minus strand). VCF-style: chrX-101398909-C-T. GRCh37 (hg19) VCF-style: chrX-100653897-C-T.
Other names: NP_000160.1:p.Trp226*; c.800G>A, p.Trp267Ter (NM_001406747.1); c.677G>A, p.Trp226Ter (NM_001406748.1); c.300+3452C>T (NM_001199973.2); c.177+7087C>T (NM_001199974.2); short protein forms W226*, W267*.
Identifiers: ClinVar variation 92563 (VCV000092563.14), dbSNP rs398123219, ClinGen allele CA021958.

ClinVar aggregate classification (germline): Pathogenic. Review status: criteria provided, multiple submitters, no conflicts (2 of 4 stars). 5 submissions from 5 submitters: Pathogenic (5). Last evaluated 2026-09-08.

Conditions:
Fabry disease. Also called: Fabry's disease; Angiokeratoma corporis diffusum; ALPHA-GALACTOSIDASE A DEFICIENCY; ANDERSON-FABRY DISEASE; CERAMIDE TRIHEXOSIDASE DEFICIENCY; Ceramide trihexosidosis. Identifiers: Orphanet 324, MedGen C0002986, MONDO:0010526, OMIM 301500, HP:0001071. Disease mechanism: loss of function, Fabry disease is due to inactivating mutations in the X-linked GLA gene resulting in deficiency of the enzyme Alpha Galactosidase-A..
Cardiovascular phenotype. Identifiers: MedGen CN230736.

Submissions (5):

Genomenon, Inc
Classification: Pathogenic for Fabry disease. Last evaluated: 2026-09-08. Review status: criteria provided, single submitter. Criteria: Genomenon Sequence Variant Interpretation Standards - Updated. Collection method: curation. Allele origin: germline. Affected: yes.
Comment: GLA p.Trp226Ter (c.677G>A) is a nonsense variant that introduces a premature stop codon at amino acid position 226 and is predicted to result in a truncated or absent protein product. This variant has been observed in at least one proband with clinical features consistent with Fabry disease (PMID:16595074;8069316;10069717;16148726;37940383). The variant was found to segregate with disease in at least one affected family (PMID:10069717). Functional or patient cell studies have been reported (PMID:16595074;10069717). It is absent or not present at a significant frequency in gnomAD. In conclusion, we classify GLA p.Trp226Ter (c.677G>A) as a pathogenic variant.

Labcorp Genetics (formerly Invitae), Labcorp
Classification: Pathogenic for Fabry disease. Last evaluated: 2025-09-19. Review status: criteria provided, single submitter. Criteria: Invitae Variant Classification Sherloc (09022015). Collection method: clinical testing. Allele origin: germline.
Comment: This sequence change creates a premature translational stop signal (p.Trp226*) in the GLA gene. It is expected to result in an absent or disrupted protein product. Loss-of-function variants in GLA are known to be pathogenic (PMID: 10666480, 12175777). This variant is not present in population databases (gnomAD no frequency). This premature translational stop signal has been observed in individual(s) with Fabry disease (PMID: 8069316). ClinVar contains an entry for this variant (Variation ID: 92563). Algorithms developed to predict the effect of sequence changes on RNA splicing suggest that this variant may disrupt the consensus splice site. For these reasons, this variant has been classified as Pathogenic.

Ambry Genetics
Classification: Pathogenic for Cardiovascular phenotype. Last evaluated: 2021-09-16. Review status: criteria provided, single submitter. Criteria: Ambry Variant Classification Scheme 2023. Collection method: clinical testing. Allele origin: germline.
Comment: The p.W226* pathogenic mutation (also known as c.677G>A), located in coding exon 5 of the GLA gene, results from a G to A substitution at nucleotide position 677. This changes the amino acid from a tryptophan to a stop codon within coding exon 5. This variant and a different nucleotide substitution resulting in the same protein impact (c.678G>A, p.W226*) have been reported in several unrelated individuals and affected individuals within families with suspected or confirmed Fabry disease (Linthorst GE et al. Kidney Int, 2004 Oct;66:1589-95; Gupta S et al. Medicine (Baltimore), 2005 Sep;84:261-268; Vedder AC et al. J Inherit Metab Dis, 2007 Feb;30:68-78; Tura&ccedil;a LT et al. J Hum Genet, 2012 Jun;57:347-51; Seo J et al. J Hum Genet, 2016 Sep;61:775-80; Varela P et al. Orphanet J Rare Dis, 2020 01;15:30). This variant is considered to be rare based on population cohorts in the Genome Aggregation Database (gnomAD). In addition to the clinical data presented in the literature, this alteration is expected to result in loss of function by premature protein truncation or nonsense-mediated mRNA decay. As such, this alteration is interpreted as a disease-causing mutation.

Revvity Omics, Revvity
Classification: Pathogenic. Last evaluated: 2021-07-29. Review status: criteria provided, single submitter. Criteria: ACMG Guidelines, 2015. Collection method: clinical testing. Allele origin: germline.

Eurofins Ntd Llc (ga)
Classification: Pathogenic. Last evaluated: 2018-07-24. Review status: criteria provided, single submitter. Criteria: EGL ClinVar v180209 classification definitions. Collection method: clinical testing. Allele origin: germline. Observed: 8 variant alleles, 5 heterozygotes, 1 homozygote, 2 hemizygotes.

Literature cited by the submitters: PubMed 16595074 (cited by Genomenon, Inc); PubMed 8069316 (cited by 3 submitters); PubMed 10069717 (cited by Genomenon, Inc and Ambry Genetics); PubMed 16148726 (cited by Genomenon, Inc and Ambry Genetics); PubMed 37940383 (cited by Genomenon, Inc); PubMed 10666480 (cited by Labcorp Genetics (formerly Invitae), Labcorp); PubMed 12175777 (cited by Labcorp Genetics (formerly Invitae), Labcorp); PubMed 15458455 (cited by Ambry Genetics); PubMed 17206462 (cited by Ambry Genetics); PubMed 19876652 (cited by Ambry Genetics); PubMed 22551898 (cited by Ambry Genetics); PubMed 27225851 (cited by Ambry Genetics); PubMed 31996269 (cited by Ambry Genetics).